The following is an entry in ClinVar:

ClinVar aggregate classification (germline): Uncertain significance. Review status: criteria provided, multiple submitters, no conflicts (2 of 4 stars). 2 submissions from 2 submitters: Uncertain significance (2). Last evaluated 2025-07-14.

Conditions:
Mitochondrial complex II deficiency, nuclear type 1. Also called: SUCCINATE CoQ REDUCTASE DEFICIENCY. Identifiers: Orphanet 3208, MedGen C5700310, MONDO:0100294, OMIM 252011.
Pheochromocytoma/paraganglioma syndrome 5. Also called: Paragangliomas 5; SDHA-Related Hereditary Paraganglioma-Pheochromocytoma Syndrome. Identifiers: Orphanet 29072, MedGen C3279992, MONDO:0013602, OMIM 614165.
Hereditary cancer-predisposing syndrome. Also called: Tumor predisposition; Hereditary Cancer Syndrome; Hereditary neoplastic syndrome; Neoplastic Syndromes, Hereditary. Identifiers: Orphanet 140162, MedGen C0027672, MeSH D009386, MONDO:0015356.

Submissions (2):

Ambry Genetics
Classification: Uncertain significance for Hereditary cancer-predisposing syndrome. Last evaluated: 2025-07-14. Review status: criteria provided, single submitter. Criteria: Ambry Variant Classification Scheme 2023. Collection method: clinical testing. Allele origin: germline.
Comment: The p.R512P variant (also known as c.1535G>C), located in coding exon 11 of the SDHA gene, results from a G to C substitution at nucleotide position 1535. The arginine at codon 512 is replaced by proline, an amino acid with dissimilar properties. This amino acid position is highly conserved in available vertebrate species. In addition, this alteration is predicted to be deleterious by in silico analysis. Since supporting evidence is limited at this time, the clinical significance of this alteration remains unclear.

Labcorp Genetics (formerly Invitae), Labcorp
Classification: Uncertain significance for Pheochromocytoma/paraganglioma syndrome 5; Mitochondrial complex II deficiency, nuclear type 1. Last evaluated: 2023-05-24. Review status: criteria provided, single submitter. Criteria: Invitae Variant Classification Sherloc (09022015). Collection method: clinical testing. Allele origin: germline.
Comment: This variant is present in population databases (no rsID available, gnomAD 0.008%). In summary, the available evidence is currently insufficient to determine the role of this variant in disease. Therefore, it has been classified as a Variant of Uncertain Significance. Advanced modeling of protein sequence and biophysical properties (such as structural, functional, and spatial information, amino acid conservation, physicochemical variation, residue mobility, and thermodynamic stability) has been performed at Invitae for this missense variant, however the output from this modeling did not meet the statistical confidence thresholds required to predict the impact of this variant on SDHA protein function. ClinVar contains an entry for this variant (Variation ID: 1774709). This variant has not been reported in the literature in individuals affected with SDHA-related conditions. This sequence change replaces arginine, which is basic and polar, with proline, which is neutral and non-polar, at codon 512 of the SDHA protein (p.Arg512Pro).

NM_004168.4(SDHA):c.1535G>C (p.Arg512Pro)

Gene: SDHA (succinate dehydrogenase complex flavoprotein subunit A; plus strand). Cytogenetic location: 5p15.33.
Variant type: single nucleotide variant.
Coding change: c.1535G>C on transcript NM_004168.4 (MANE Select); coding-DNA position 1535, G replaced by C.
Protein change: p.Arg512Pro; replaces arginine 512 with proline.
Molecular consequence: missense variant.
Genome position (GRCh38, 1-based): chr5:240,460, G>C. VCF-style: chr5-240460-G-C. GRCh37 (hg19) VCF-style: chr5-240575-G-C.
Other names: c.1391G>C, p.Arg464Pro (NM_001294332.2); c.1535G>C, p.Arg512Pro (NM_001330758.2); short protein forms R512P, R464P.
Identifiers: ClinVar variation 1774709 (VCV001774709.7), dbSNP rs192818312, ClinGen allele CA359014373.